The following is an entry in ClinVar:

NM_001040716.2(PC):c.2898+2T>C

Gene: PC (pyruvate carboxylase; minus strand). Cytogenetic location: 11q13.2.
Variant type: single nucleotide variant.
Coding change: c.2898+2T>C on transcript NM_001040716.2 (MANE Select); the canonical splice donor site of the intron after coding-DNA position 2898, T replaced by C.
Molecular consequence: splice donor variant.
Genome position (GRCh38, 1-based): chr11:66,849,935, A>G on the plus strand (T>C on the coding strand, the complement: PC is on the minus strand). VCF-style: chr11-66849935-A-G. GRCh37 (hg19) VCF-style: chr11-66617406-A-G.
Other names: c.2898+2T>C (NM_000920.4, NM_022172.3).
Identifiers: ClinVar variation 1482567 (VCV001482567.8), dbSNP rs2135791416, ClinGen allele CA381491707.

ClinVar aggregate classification (germline): Likely pathogenic (1 of 4 stars; one submission).

Conditions:
Pyruvate carboxylase deficiency. Also called: Pyruvate Carboxylase Deficiency Disease; ATAXIA WITH LACTIC ACIDOSIS II; PC DEFICIENCY; LEIGH NECROTIZING ENCEPHALOPATHY DUE TO PYRUVATE CARBOXYLASE DEFICIENCY; LEIGH SYNDROME DUE TO PYRUVATE CARBOXYLASE DEFICIENCY. Identifiers: Orphanet 3008, MedGen C0034341, MONDO:0009949, OMIM 266150.

Allele frequency attached by ClinVar (database versions not stated): gnomAD exomes below 0.00001.
gnomAD v4.1: 3 of 1,613,478 alleles (0.00019%); highest among the groups gnomAD compares: Non-Finnish European, 0.00025%; no homozygotes.

Submission:

Labcorp Genetics (formerly Invitae), Labcorp
Classification: Likely pathogenic for Pyruvate carboxylase deficiency. Last evaluated: 2023-09-27. Review status: criteria provided, single submitter. Criteria: Invitae Variant Classification Sherloc (09022015). Collection method: clinical testing. Allele origin: germline.
Comment: In summary, the currently available evidence indicates that the variant is pathogenic, but additional data are needed to prove that conclusively. Therefore, this variant has been classified as Likely Pathogenic. Algorithms developed to predict the effect of sequence changes on RNA splicing suggest that this variant may disrupt the consensus splice site. ClinVar contains an entry for this variant (Variation ID: 1482567). This variant has not been reported in the literature in individuals affected with PC-related conditions. This variant is not present in population databases (gnomAD no frequency). This sequence change affects a donor splice site in intron 19 of the PC gene. It is expected to disrupt RNA splicing. Variants that disrupt the donor or acceptor splice site typically lead to a loss of protein function (PMID: 16199547), and loss-of-function variants in PC are known to be pathogenic (PMID: 12112657, 19306334).

Literature cited by the submitters: PubMed 16199547; PubMed 12112657; PubMed 19306334.